The following is an entry in ClinVar:

NM_000026.4(ADSL):c.-32C>T

Gene: ADSL (adenylosuccinate lyase; plus strand). Cytogenetic location: 22q13.1.
Variant type: single nucleotide variant.
Coding change: c.-32C>T on transcript NM_000026.4 (MANE Select); 32 bases upstream of the start codon, C replaced by T.
Molecular consequence: 5 prime UTR variant. On other transcripts: non-coding transcript variant (1).
Genome position (GRCh38, 1-based): chr22:40,346,527, C>T. VCF-style: chr22-40346527-C-T. GRCh37 (hg19) VCF-style: chr22-40742531-C-T.
Other names: c.-32C>T (NM_001123378.3, NM_001363840.3); c.-169C>T (NM_001317923.2).
Identifiers: ClinVar variation 1501050 (VCV001501050.6), dbSNP rs1420977984, ClinGen allele CA753180164.

ClinVar aggregate classification (germline): Uncertain significance (1 of 4 stars; one submission).

Conditions:
Adenylosuccinate lyase deficiency (ADSLD). Also called: ADSL DEFICIENCY. Identifiers: Orphanet 46, MedGen C0268126, MONDO:0007068, OMIM 103050.

Allele frequency attached by ClinVar (database versions not stated): TOPMed below 0.00001; gnomAD 0.00001.
gnomAD v4.1: 3 of 1,589,842 alleles (0.00019%); highest among the groups gnomAD compares: African/African-American, 0.0027%; no homozygotes.

Submission:

Labcorp Genetics (formerly Invitae), Labcorp
Classification: Uncertain significance for Adenylosuccinate lyase deficiency. Last evaluated: 2022-08-16. Review status: criteria provided, single submitter. Criteria: Invitae Variant Classification Sherloc (09022015). Collection method: clinical testing. Allele origin: germline.
Comment: This variant is not present in population databases (gnomAD no frequency). In summary, the available evidence is currently insufficient to determine the role of this variant in disease. Therefore, it has been classified as a Variant of Uncertain Significance. Experimental studies and prediction algorithms are not available or were not evaluated, and the functional significance of this variant is currently unknown. ClinVar contains an entry for this variant (Variation ID: 1501050). This variant has not been reported in the literature in individuals affected with ADSL-related conditions. This variant occurs in a non-coding region of the ADSL gene. It does not change the encoded amino acid sequence of the ADSL protein.